The following is an entry in ClinVar:

NM_005876.5(SPEG):c.1841C>T (p.Pro614Leu)

Gene: SPEG (striated muscle enriched protein kinase; plus strand). Cytogenetic location: 2q35.
Variant type: single nucleotide variant.
Coding change: c.1841C>T on transcript NM_005876.5 (MANE Select); coding-DNA position 1841, C replaced by T.
Protein change: p.Pro614Leu; replaces proline 614 with leucine.
Molecular consequence: missense variant.
Genome position (GRCh38, 1-based): chr2:219,448,999, C>T. VCF-style: chr2-219448999-C-T. GRCh37 (hg19) VCF-style: chr2-220313721-C-T.
Other names: short protein forms P614L.
Identifiers: ClinVar variation 1417770 (VCV001417770.8), dbSNP rs546598705, ClinGen allele CA350724632.

ClinVar aggregate classification (germline): Uncertain significance (1 of 4 stars; one submission).

gnomAD v4.1: 6 of 1,482,724 alleles (0.0004%); highest among the groups gnomAD compares: South Asian, 0.004%; no homozygotes.

Submission:

Labcorp Genetics (formerly Invitae), Labcorp
Classification: Uncertain significance. Last evaluated: 2025-10-02. Review status: criteria provided, single submitter. Criteria: Invitae Variant Classification Sherloc (09022015). Collection method: clinical testing. Allele origin: germline.
Comment: This sequence change replaces proline, which is neutral and non-polar, with leucine, which is neutral and non-polar, at codon 614 of the SPEG protein (p.Pro614Leu). This variant is not present in population databases (gnomAD no frequency). This variant has not been reported in the literature in individuals affected with SPEG-related conditions. ClinVar contains an entry for this variant (Variation ID: 1417770). An algorithm developed to predict the effect of missense changes on protein structure and function (PolyPhen-2) suggests that this variant is likely to be tolerated. In summary, the available evidence is currently insufficient to determine the role of this variant in disease. Therefore, it has been classified as a Variant of Uncertain Significance.